The following is an entry in ClinVar:

NM_000207.3(INS):c.187+3G>A

Genes: INS (insulin; minus strand), INS-IGF2 (INS-IGF2 readthrough; minus strand). Cytogenetic location: 11p15.5.
Variant type: single nucleotide variant.
Coding change: c.187+3G>A on transcript NM_000207.3 (MANE Select); 3 bases into the intron after coding-DNA position 187, G replaced by A.
Molecular consequence: intron variant.
Genome position (GRCh38, 1-based): chr11:2,160,782, C>T on the plus strand (G>A on the coding strand, the complement: INS is on the minus strand). VCF-style: chr11-2160782-C-T. GRCh37 (hg19) VCF-style: chr11-2182012-C-T.
Other names: c.187+3G>A (NM_001042376.3, NM_001185097.2, NM_001291897.2 and 1 more transcripts).
Identifiers: ClinVar variation 3599480 (VCV003599480.3).
Genomic context (GRCh38, chr11:2,160,782, plus strand): 5'-GGGAGCGCCAGGAGCAGGGGGTGGCTGGGGGCGGCCAGGGGCAGCAATGGGCAGTTGGCT[C>T]ACCCTGCAGGTCCTCTGCCTCCCGGCGGGTCTTGGGTGTGTAGAAGAAGCCTCGTTCCCC-3'

ClinVar aggregate classification (germline): Uncertain significance. Review status: criteria provided, multiple submitters, no conflicts (2 of 4 stars). 2 submissions from 2 submitters: Uncertain significance (2). Last evaluated 2024-09-12.

Conditions:
Type 1 diabetes mellitus 2. Identifiers: MedGen C1852092, MONDO:0007454, OMIM 125852.
Diabetes mellitus, permanent neonatal 4. Also called: INS-Related Permanent Neonatal Diabetes Mellitus. Identifiers: MedGen C5394307, MONDO:0030089, OMIM 618858.
Maturity-onset diabetes of the young type 10. Identifiers: Orphanet 552, MedGen C3150617, MONDO:0013240, OMIM 613370.
Hyperproinsulinemia. Identifiers: MedGen C0342283, MONDO:0014535, OMIM 616214.

gnomAD v4.1: 62 of 1,611,450 alleles (0.0038%); highest among the groups gnomAD compares: Admixed American, 0.0067%; no homozygotes.

Submissions (2):

Labcorp Genetics (formerly Invitae), Labcorp
Classification: Uncertain significance. Last evaluated: 2024-09-12. Review status: criteria provided, single submitter. Criteria: Invitae Variant Classification Sherloc (09022015). Collection method: clinical testing. Allele origin: germline.
Comment: This sequence change falls in intron 2 of the INS gene. It does not directly change the encoded amino acid sequence of the INS protein. It affects a nucleotide within the consensus splice site. This variant is present in population databases (rs374469292, gnomAD 0.009%). This variant has not been reported in the literature in individuals affected with INS-related conditions. Variants that disrupt the consensus splice site are a relatively common cause of aberrant splicing (PMID: 17576681, 9536098). Algorithms developed to predict the effect of sequence changes on RNA splicing suggest that this variant is not likely to affect RNA splicing. In summary, the available evidence is currently insufficient to determine the role of this variant in disease. Therefore, it has been classified as a Variant of Uncertain Significance.

Fulgent Genetics
Classification: Uncertain significance for Type 1 diabetes mellitus 2; Maturity-onset diabetes of the young type 10; Hyperproinsulinemia; Diabetes mellitus, permanent neonatal 4. Last evaluated: 2024-05-01. Review status: criteria provided, single submitter. Criteria: ACMG Guidelines, 2015. Collection method: clinical testing. Allele origin: germline.

Literature cited by the submitters: PubMed 17576681 (cited by Labcorp Genetics (formerly Invitae), Labcorp); PubMed 9536098 (cited by Labcorp Genetics (formerly Invitae), Labcorp).